The following is an entry in ClinVar:

ClinVar aggregate classification (germline): Uncertain significance (1 of 4 stars; one submission).

Conditions:
Severe combined immunodeficiency due to IKK2 deficiency. Also called: IMMUNODEFICIENCY 15B; Immunodeficiency 15. Identifiers: Orphanet 397787, MedGen C4747743, MONDO:0014267, OMIM 615592.

Submission:

Labcorp Genetics (formerly Invitae), Labcorp
Classification: Uncertain significance for Immunodeficiency 15. Last evaluated: 2019-10-02. Review status: criteria provided, single submitter. Criteria: Invitae Variant Classification Sherloc (09022015). Collection method: clinical testing. Allele origin: germline.
Comment: This variant results in a copy number gain of the genomic region encompassing the full coding sequence of the IKBKB gene. The boundaries of this event are unknown as they extend beyond the assayed region for this gene and therefore may encompass additional genes. As the precise location of this event is unknown, it may be in tandem or it may be located elsewhere in the genome. This variant has not been reported in the literature in individuals with IKBKB-related conditions. In summary, the available evidence is currently insufficient to determine the role of this variant in disease. Therefore, it has been classified as a Variant of Uncertain Significance.

NC_000008.10:g.(?_42128869)_(43054732_?)dup

Genes: FNTA (farnesyltransferase, CAAX box, subunit alpha; plus strand), SLC20A2 (solute carrier family 20 member 2; minus strand), SMIM19 (small integral membrane protein 19; plus strand), VDAC3 (voltage dependent anion channel 3; plus strand), THAP1 (THAP domain containing 1; minus strand) and 9 more. Cytogenetic location: 8p11.21.
Variant type: Duplication.
Identifiers: ClinVar variation 648521 (VCV000648521.2).